The following is an entry in ClinVar:

NM_001130823.3(DNMT1):c.4636C>G (p.Pro1546Ala)

Genes: DNMT1 (DNA methyltransferase 1; minus strand), LOC126862853 (CDK7 strongly-dependent group 2 enhancer GRCh37_chr19:10246117-10247316; plus strand). Cytogenetic location: 19p13.2.
Variant type: single nucleotide variant.
Coding change: c.4636C>G on transcript NM_001130823.3 (MANE Select); coding-DNA position 4636, C replaced by G.
Protein change: p.Pro1546Ala; replaces proline 1546 with alanine.
Molecular consequence: missense variant.
Genome position (GRCh38, 1-based): chr19:10,136,141, G>C on the plus strand (C>G on the coding strand, the complement: DNMT1 is on the minus strand). VCF-style: chr19-10136141-G-C. GRCh37 (hg19) VCF-style: chr19-10246817-G-C.
Other names: c.4597C>G, p.Pro1533Ala (NM_001318730.2); c.4273C>G, p.Pro1425Ala (NM_001318731.2); c.4588C>G, p.Pro1530Ala (NM_001379.4); c.4636C>G (NM_001130823.1); short protein forms P1546A, P1425A, P1530A, P1533A.
Identifiers: ClinVar variation 547912 (VCV000547912.6), dbSNP rs1555687655, ClinGen allele CA403968238.

ClinVar aggregate classification (germline): Conflicting classifications of pathogenicity. Review status: criteria provided, conflicting classifications (1 of 4 stars). 2 submissions from 2 submitters: Pathogenic (1); Uncertain significance (1). Last evaluated 2024-08-20.

Conditions:
Autosomal dominant cerebellar ataxia, deafness and narcolepsy. Also called: Autosomal Dominant Cerebellar Ataxia, Deafness, and Narcolepsy (ADCA-DN). Identifiers: Orphanet 314404, MedGen C4302668, MONDO:0011397, OMIM 604121.
Hereditary sensory neuropathy-deafness-dementia syndrome. Also called: HSN IE; Hereditary sensory neuropathy type IE; NEUROPATHY, HEREDITARY SENSORY, WITH HEARING LOSS AND DEMENTIA; Hereditary Sensory and Autonomic Neuropathy Type 1E (HSAN1E). Identifiers: Orphanet 456318, MedGen C3279885, MONDO:0013584, OMIM 614116.

Submissions (2):

GeneDx
Classification: Pathogenic. Last evaluated: 2024-08-20. Review status: criteria provided, single submitter. Criteria: GeneDx Variant Classification Process June 2021. Collection method: clinical testing. Allele origin: germline. Affected: yes.
Comment: Not observed at significant frequency in large population cohorts (gnomAD); In silico analysis supports that this missense variant has a deleterious effect on protein structure/function; This variant is associated with the following publications: (PMID: Koleilat2022[Abstract], 32754641)

Mayo Clinic Laboratories, Mayo Clinic
Classification: Uncertain significance for Autosomal dominant cerebellar ataxia, deafness and narcolepsy; Hereditary sensory neuropathy-deafness-dementia syndrome. Last evaluated: 2017-02-10. Review status: criteria provided, single submitter. Criteria: ACMG Guidelines, 2015. Collection method: clinical testing. Allele origin: de novo.